The following is an entry in ClinVar:

ClinVar aggregate classification (germline): Uncertain significance. Review status: criteria provided, multiple submitters, no conflicts (2 of 4 stars). 3 submissions from 3 submitters: Uncertain significance (3). Last evaluated 2024-11-07.

Conditions:
Inborn genetic diseases. Identifiers: MedGen C0950123, MeSH D030342.
ALG3-congenital disorder of glycosylation. Also called: CONGENITAL DISORDER OF GLYCOSYLATION, TYPE Id; CDG Id; ALG3-CDG; CARBOHYDRATE-DEFICIENT GLYCOPROTEIN SYNDROME, TYPE IV; CDGS, TYPE IV. Identifiers: Orphanet 79321, MedGen C1832736, MONDO:0010998, OMIM 601110.

Allele frequency attached by ClinVar (database versions not stated): ExAC 0.00007; gnomAD 0.00016; TOPMed 0.00016; 1000 Genomes Project 0.00020; 1000 Genomes Project 30x 0.00031.

Submissions (3):

Ambry Genetics
Classification: Uncertain significance for Inborn genetic diseases. Last evaluated: 2024-11-07. Review status: criteria provided, single submitter. Criteria: Ambry Variant Classification Scheme 2023. Collection method: clinical testing. Allele origin: germline.

GeneDx
Classification: Uncertain significance. Last evaluated: 2024-05-06. Review status: criteria provided, single submitter. Criteria: GeneDx Variant Classification Process June 2021. Collection method: clinical testing. Allele origin: germline. Affected: yes.
Comment: In silico analysis indicates that this missense variant does not alter protein structure/function; Has not been previously published as pathogenic or benign to our knowledge

Labcorp Genetics (formerly Invitae), Labcorp
Classification: Uncertain significance for ALG3-congenital disorder of glycosylation. Last evaluated: 2022-05-05. Review status: criteria provided, single submitter. Criteria: Invitae Variant Classification Sherloc (09022015). Collection method: clinical testing. Allele origin: germline.
Comment: This sequence change replaces cysteine, which is neutral and slightly polar, with phenylalanine, which is neutral and non-polar, at codon 21 of the ALG3 protein (p.Cys21Phe). This variant is present in population databases (rs574586606, gnomAD 0.07%). This variant has not been reported in the literature in individuals affected with ALG3-related conditions. Algorithms developed to predict the effect of missense changes on protein structure and function (SIFT, PolyPhen-2, Align-GVGD) all suggest that this variant is likely to be tolerated. In summary, the available evidence is currently insufficient to determine the role of this variant in disease. Therefore, it has been classified as a Variant of Uncertain Significance.

NM_005787.6(ALG3):c.62G>T (p.Cys21Phe)

Gene: ALG3 (ALG3 alpha-1,3- mannosyltransferase; minus strand). Cytogenetic location: 3q27.1.
Variant type: single nucleotide variant.
Coding change: c.62G>T on transcript NM_005787.6 (MANE Select); coding-DNA position 62, G replaced by T.
Protein change: p.Cys21Phe; replaces cysteine 21 with phenylalanine.
Molecular consequence: missense variant. On other transcripts: non-coding transcript variant (2), intron variant (1).
Genome position (GRCh38, 1-based): chr3:184,248,879, C>A on the plus strand (G>T on the coding strand, the complement: ALG3 is on the minus strand). VCF-style: chr3-184248879-C-A. GRCh37 (hg19) VCF-style: chr3-183966667-C-A.
Other names: c.62G>T (NM_005787.5); c.-7G>T (NM_001006942.1); c.52+347G>T (NM_001006941.2); short protein forms C21F.
Identifiers: ClinVar variation 2067265 (VCV002067265.3), dbSNP rs574586606, ClinGen allele CA2729658.